The following is an entry in ClinVar:

ClinVar aggregate classification (germline): Pathogenic/Likely pathogenic. Review status: criteria provided, multiple submitters, no conflicts (2 of 4 stars). 2 submissions from 2 submitters: Pathogenic (1); Likely pathogenic (1). Last evaluated 2025-12-02.

Conditions:
Alport syndrome. Also called: Hemorrhagic familial nephritis; Hemorrhagic hereditary nephritis; Congenital hereditary hematuria. Identifiers: Orphanet 63, MedGen C1567741, MONDO:0018965.
Autosomal dominant Alport syndrome (ATS3A). Also called: Alport syndrome dominant type; Renal failure and sensorineural hearing loss; ALPORT SYNDROME 3A, AUTOSOMAL DOMINANT. Identifiers: Orphanet 63, Orphanet 88918, MedGen C5882663, MONDO:0007086, OMIM 104200.
Hematuria, benign familial, 2 (BFH2). Identifiers: MedGen C5830421, MONDO:0958186, OMIM 620320.
Alport syndrome 3b, autosomal recessive. Identifiers: MedGen C5882699, MONDO:0957811, OMIM 620536.

gnomAD v4.1: 3 of 1,614,054 alleles (0.00019%); highest among the groups gnomAD compares: Non-Finnish European, 0.00025%; no homozygotes.

Submissions (2):

Natera, Inc.
Classification: Likely pathogenic for Alport syndrome. Last evaluated: 2025-12-02. Review status: criteria provided, single submitter. Criteria: Natera Variant Classification Schema (03/2026). Collection method: clinical testing. Allele origin: germline.
Comment: The c.4847G>A variant in COL4A3 is a missense variant predicted to cause substitution of cysteine to tyrosine at amino acid 1616. This variant is rare in the general population with a frequency below the threshold expected for the associated phenotype(s). This variant has been observed in one or more individuals affected with the associated recessive disease, as either homozygous or compound heterozygous with a second variant (PMID: 37986374). This variant has been observed to segregate in affected family members (PMID: 25596306). Computational prediction algorithms indicate this variant is likely to affect gene or protein function. Given the available evidence, this variant is classified as Likely Pathogenic.

Fulgent Genetics
Classification: Pathogenic for Autosomal dominant Alport syndrome; Hematuria, benign familial, 2; Alport syndrome 3b, autosomal recessive. Last evaluated: 2024-01-16. Review status: criteria provided, single submitter. Criteria: ACMG Guidelines, 2015. Collection method: clinical testing. Allele origin: germline.

Literature cited by the submitters: PubMed 37986374 (cited by Natera, Inc.); PubMed 25596306 (cited by Natera, Inc.).

NM_000091.5(COL4A3):c.4847G>A (p.Cys1616Tyr)

Genes: MFF-DT (MFF divergent transcript; minus strand), COL4A3 (collagen type IV alpha 3 chain; plus strand). Cytogenetic location: 2q36.3.
Variant type: single nucleotide variant.
Coding change: c.4847G>A on transcript NM_000091.5 (MANE Select); coding-DNA position 4847, G replaced by A.
Protein change: p.Cys1616Tyr; replaces cysteine 1616 with tyrosine.
Molecular consequence: missense variant.
Genome position (GRCh38, 1-based): chr2:227,310,867, G>A. VCF-style: chr2-227310867-G-A. GRCh37 (hg19) VCF-style: chr2-228175583-G-A.
Other names: short protein forms C1616Y.
Identifiers: ClinVar variation 3586154 (VCV003586154.2).
Genomic context (GRCh38, chr2:227,310,867, plus strand): 5'-AAGCACTGGCCTCCCCTGGCTCCTGCCTGGAAGAATTCCGAGCCAGCCCATTTCTAGAAT[G>A]TCATGGAAGAGGAACGTGCAACTACTATTCAAATTCCTACAGTTTCTGGCTGGCTTCATT-3'
Protein context (NP_000082.2, residues 1606-1626): EEFRASPFLE[Cys1616Tyr]HGRGTCNYYS